The following is an entry in ClinVar:

ClinVar aggregate classification (germline): Uncertain significance (1 of 4 stars; one submission).

Conditions:
Brugada syndrome 4 (BRGDA4). Identifiers: Orphanet 130, MedGen C2678477, MONDO:0012743, OMIM 611876.

Submission:

Labcorp Genetics (formerly Invitae), Labcorp
Classification: Uncertain significance for Brugada syndrome 4. Last evaluated: 2024-01-05. Review status: criteria provided, single submitter. Criteria: Invitae Variant Classification Sherloc (09022015). Collection method: clinical testing. Allele origin: germline.
Comment: This sequence change replaces lysine, which is basic and polar, with arginine, which is basic and polar, at codon 591 of the CACNB2 protein (p.Lys591Arg). This variant is not present in population databases (gnomAD no frequency). This variant has not been reported in the literature in individuals affected with CACNB2-related conditions. Algorithms developed to predict the effect of missense changes on protein structure and function output the following: SIFT: "Not Available"; PolyPhen-2: "Benign"; Align-GVGD: "Not Available". The arginine amino acid residue is found in multiple mammalian species, which suggests that this missense change does not adversely affect protein function. In summary, the available evidence is currently insufficient to determine the role of this variant in disease. Therefore, it has been classified as a Variant of Uncertain Significance.

NM_201596.3(CACNB2):c.1934A>G (p.Lys645Arg)

Gene: CACNB2 (calcium voltage-gated channel auxiliary subunit beta 2; plus strand). Cytogenetic location: 10p12.31.
Variant type: single nucleotide variant.
Coding change: c.1934A>G on transcript NM_201596.3 (MANE Select); coding-DNA position 1934, A replaced by G.
Protein change: p.Lys645Arg; replaces lysine 645 with arginine.
Molecular consequence: missense variant.
Genome position (GRCh38, 1-based): chr10:18,539,675, A>G. VCF-style: chr10-18539675-A-G. GRCh37 (hg19) VCF-style: chr10-18828604-A-G.
Other names: c.1769A>G, p.Lys590Arg (NM_000724.4); c.1736A>G, p.Lys579Arg (NM_001167945.2); c.1655A>G, p.Lys552Arg (NM_001330060.2); c.1676A>G, p.Lys559Arg (NM_001410882.1); c.1790A>G, p.Lys597Arg (NM_201570.3); c.1850A>G, p.Lys617Arg (NM_201571.4); c.1778A>G, p.Lys593Arg (NM_201572.4); c.1772A>G, p.Lys591Arg (NM_201590.3); and 2 more; short protein forms K590R, K591R, K607R, K621R, K552R, K559R, K579R, K593R.
Identifiers: ClinVar variation 2803243 (VCV002803243.3), dbSNP rs2494923653, ClinGen allele CA376072856.